The following is an entry in ClinVar:

NM_014232.3(VAMP2):c.167G>T (p.Arg56Leu)

Gene: VAMP2 (vesicle associated membrane protein 2; minus strand). Cytogenetic location: 17p13.1.
Variant type: single nucleotide variant.
Coding change: c.167G>T on transcript NM_014232.3 (MANE Select); coding-DNA position 167, G replaced by T.
Protein change: p.Arg56Leu; replaces arginine 56 with leucine.
Molecular consequence: missense variant.
Genome position (GRCh38, 1-based): chr17:8,161,723, C>A on the plus strand (G>T on the coding strand, the complement: VAMP2 is on the minus strand). VCF-style: chr17-8161723-C-A. GRCh37 (hg19) VCF-style: chr17-8065041-C-A.
Other names: c.173G>T, p.Arg58Leu (NM_001330125.1); short protein forms R56L, R58L.
Identifiers: ClinVar variation 929463 (VCV000929463.1), dbSNP rs1983318892, ClinGen allele CA397965762.

ClinVar aggregate classification (germline): Likely pathogenic (1 of 4 stars; one submission).

Submission:

GeneDx
Classification: Likely pathogenic. Last evaluated: 2020-06-18. Review status: criteria provided, single submitter. Criteria: GeneDx Variant Classification (06012015). Collection method: clinical testing. Allele origin: germline. Affected: yes.
Comment: Observed as a de novo variant in internal GeneDx whole exome sequencing data in association with intellectual disability and seizures . In silico analysis supports that this missense variant has a deleterious effect on protein structure/function. Not observed in large population cohorts (Lek et al., 2016). We interpret R56L as a likely pathogenic variant.